The following is an entry in ClinVar:

NM_001308093.3(GATA4):c.833C>T (p.Thr278Ile)

Gene: GATA4 (GATA binding protein 4). Cytogenetic location: 8p23.1.
Variant type: single nucleotide variant.
Coding change: c.833C>T on transcript NM_001308093.3 (MANE Select); coding-DNA position 833, C replaced by T.
Protein change: p.Thr278Ile; replaces threonine 278 with isoleucine.
Molecular consequence: missense variant. On other transcripts: intron variant (1).
Genome position (GRCh38, 1-based): chr8:11,750,157, C>T. VCF-style: chr8-11750157-C-T. GRCh37 (hg19) VCF-style: chr8-11607666-C-T.
Other names: c.212C>T, p.Thr71Ile (NM_001308094.2, NM_001374273.1); c.830C>T, p.Thr277Ile (NM_002052.5); c.165+1072C>T (NM_001374274.1); short protein forms T277I, T278I, T71I.
Identifiers: ClinVar variation 4719641 (VCV004719641.1).

ClinVar aggregate classification (germline): Uncertain significance (1 of 4 stars; one submission).

Conditions:
Atrioventricular septal defect 4 (AVSD4). Identifiers: MedGen C3280781, MONDO:0013747, OMIM 614430.

gnomAD v4.1: 2 of 1,614,014 alleles (0.00012%); highest among the groups gnomAD compares: African/African-American, 0.0013%; no homozygotes.

Submission:

Labcorp Genetics (formerly Invitae), Labcorp
Classification: Uncertain significance for Atrioventricular septal defect 4. Last evaluated: 2026-01-14. Review status: criteria provided, single submitter. Criteria: Invitae Variant Classification Sherloc (09022015). Collection method: clinical testing. Allele origin: germline.
Comment: This sequence change replaces threonine, which is neutral and polar, with isoleucine, which is neutral and non-polar, at codon 277 of the GATA4 protein (p.Thr277Ile). This variant is present in population databases (no rsID available, gnomAD 0.0009%). This missense change has been observed in individual(s) with clinical features of GATA4-related conditions (PMID: 15863664, 17592645). Invitae Evidence Modeling of protein sequence and biophysical properties (such as structural, functional, and spatial information, amino acid conservation, physicochemical variation, residue mobility, and thermodynamic stability) has been performed for this missense variant. However, the output from this modeling did not meet the statistical confidence thresholds required to predict the impact of this variant on GATA4 protein function. In summary, the available evidence is currently insufficient to determine the role of this variant in disease. Therefore, it has been classified as a Variant of Uncertain Significance.

Literature cited by the submitters: PubMed 15863664; PubMed 17592645.